The following is an entry in ClinVar:

NM_003998.4(NFKB1):c.512T>A (p.Leu171Ter)

Gene: NFKB1 (nuclear factor kappa B subunit 1; plus strand). Cytogenetic location: 4q24.
Variant type: single nucleotide variant.
Coding change: c.512T>A on transcript NM_003998.4 (MANE Select); coding-DNA position 512, T replaced by A.
Protein change: p.Leu171Ter; replaces leucine 171 with a stop codon.
Molecular consequence: nonsense.
Genome position (GRCh38, 1-based): chr4:102,576,980, T>A. VCF-style: chr4-102576980-T-A. GRCh37 (hg19) VCF-style: chr4-103498137-T-A.
Other names: c.509T>A, p.Leu170Ter (NM_001165412.2, NM_001319226.2, NM_001382627.1); c.512T>A, p.Leu171Ter (NM_001382625.1, NM_001382626.1); c.470T>A, p.Leu157Ter (NM_001382628.1); short protein forms L171*, L157*, L170*.
Identifiers: ClinVar variation 3648331 (VCV003648331.2).

ClinVar aggregate classification (germline): Pathogenic (1 of 4 stars; one submission).

Submission:

Labcorp Genetics (formerly Invitae), Labcorp
Classification: Pathogenic. Last evaluated: 2024-05-23. Review status: criteria provided, single submitter. Criteria: Invitae Variant Classification Sherloc (09022015). Collection method: clinical testing. Allele origin: germline.
Comment: This sequence change creates a premature translational stop signal (p.Leu171*) in the NFKB1 gene. It is expected to result in an absent or disrupted protein product. Loss-of-function variants in NFKB1 are known to be pathogenic (PMID: 26279205, 29477724). This variant is not present in population databases (gnomAD no frequency). This variant has not been reported in the literature in individuals affected with NFKB1-related conditions. Algorithms developed to predict the effect of sequence changes on RNA splicing suggest that this variant may disrupt the consensus splice site. For these reasons, this variant has been classified as Pathogenic.

Literature cited by the submitters: PubMed 26279205; PubMed 29477724.